The following is an entry in ClinVar:

NM_152263.4(TPM3):c.272G>A (p.Arg91His)

Gene: TPM3 (tropomyosin 3; minus strand). Cytogenetic location: 1q21.3.
Variant type: single nucleotide variant.
Coding change: c.272G>A on transcript NM_152263.4 (MANE Select); coding-DNA position 272, G replaced by A.
Protein change: p.Arg91His; replaces arginine 91 with histidine.
Molecular consequence: missense variant. On other transcripts: 5 prime UTR variant (1), non-coding transcript variant (1), intron variant (1).
Genome position (GRCh38, 1-based): chr1:154,176,220, C>T on the plus strand (G>A on the coding strand, the complement: TPM3 is on the minus strand). VCF-style: chr1-154176220-C-T. GRCh37 (hg19) VCF-style: chr1-154148696-C-T.
Other names: c.161G>A, p.Arg54His (NM_001043351.2, NM_001043352.2, NM_001043353.2 and 5 more transcripts); c.-110G>A (NM_001278191.2); c.272G>A, p.Arg91His (NM_001364679.2, NM_001364680.2, NM_001364681.2 and 1 more transcripts); c.69-3019G>A (NM_001278188.2); c.272G>A (NM_152263.2); short protein forms R54H, R91H.
Identifiers: ClinVar variation 2141661 (VCV002141661.5), dbSNP rs199474713, ClinGen allele CA342585070.

ClinVar aggregate classification (germline): Likely pathogenic. Review status: criteria provided, multiple submitters, no conflicts (2 of 4 stars). 2 submissions from 2 submitters: Likely pathogenic (2). Last evaluated 2025-07-24.

Conditions:
Congenital myopathy 4B, autosomal recessive. Also called: Nemaline myopathy 1, autosomal dominant or recessive. Identifiers: Orphanet 171433, Orphanet 171439, Orphanet 171881, MedGen C5829889, MONDO:0012239, OMIM 609284.
Congenital myopathy with fiber type disproportion. Also called: Congenital fiber-type disproportion; Congenital fiber-type disproportion myopathy. Identifiers: Orphanet 2020, MedGen C0546264, MONDO:0009711. Inheritance: all.

Submissions (2):

GeneDx
Classification: Likely pathogenic. Last evaluated: 2025-07-24. Review status: criteria provided, single submitter. Criteria: GeneDx Variant Classification Process June 2021. Collection method: clinical testing. Allele origin: germline. Affected: yes.
Comment: Has not been previously published as pathogenic or benign to our knowledge; Not observed at significant frequency in large population cohorts (gnomAD); In silico analysis supports that this missense variant has a deleterious effect on protein structure/function; Missense variants in this gene are a common cause of disease and they are underrepresented in the general population

Labcorp Genetics (formerly Invitae), Labcorp
Classification: Likely pathogenic for Congenital myopathy with fiber type disproportion; Congenital myopathy 4B, autosomal recessive. Last evaluated: 2022-07-03. Review status: criteria provided, single submitter. Criteria: Invitae Variant Classification Sherloc (09022015). Collection method: clinical testing. Allele origin: germline.
Comment: This variant has not been reported in the literature in individuals affected with TPM3-related conditions. This variant is not present in population databases (gnomAD no frequency). This sequence change replaces arginine, which is basic and polar, with histidine, which is basic and polar, at codon 91 of the TPM3 protein (p.Arg91His). In summary, the currently available evidence indicates that the variant is pathogenic, but additional data are needed to prove that conclusively. Therefore, this variant has been classified as Likely Pathogenic. This variant disrupts the p.Arg91 amino acid residue in TPM3. Other variant(s) that disrupt this residue have been determined to be pathogenic (PMID: 19953533, 26307083). This suggests that this residue is clinically significant, and that variants that disrupt this residue are likely to be disease-causing. Advanced modeling of protein sequence and biophysical properties (such as structural, functional, and spatial information, amino acid conservation, physicochemical variation, residue mobility, and thermodynamic stability) performed at Invitae indicates that this missense variant is expected to disrupt TPM3 protein function.

Literature cited by the submitters: PubMed 19953533 (cited by Labcorp Genetics (formerly Invitae), Labcorp); PubMed 26307083 (cited by Labcorp Genetics (formerly Invitae), Labcorp).